The following is an entry in ClinVar:

ClinVar aggregate classification (germline): Likely pathogenic. Review status: criteria provided, multiple submitters, no conflicts (2 of 4 stars). 3 submissions from 3 submitters: Likely pathogenic (3). Last evaluated 2025-03-14.

Conditions:
Thyroid dyshormonogenesis 1. Also called: HYPOTHYROIDISM, CONGENITAL, DUE TO DYSHORMONOGENESIS, 1; IODINE ACCUMULATION, TRANSPORT, OR TRAPPING DEFECT; THYROID HORMONOGENESIS, GENETIC DEFECT IN, 1; Familial thyroid dyshormonogenesis 1. Identifiers: Orphanet 95716, MedGen C1848805, MONDO:0020716, OMIM 274400.

Allele frequency attached by ClinVar (database versions not stated): ExAC 0.00007; TOPMed 0.00016; ESP Exome Variant Server 0.00015; 1000 Genomes Project 30x 0.00016; gnomAD 0.00018; 1000 Genomes Project 0.00020.
gnomAD v4.1: 50 of 1,612,316 alleles (0.0031%); highest among the groups gnomAD compares: African/African-American, 0.06%; no homozygotes.

Submissions (3):

GeneDx
Classification: Likely pathogenic. Last evaluated: 2025-03-14. Review status: criteria provided, single submitter. Criteria: GeneDx Variant Classification Process June 2021. Collection method: clinical testing. Allele origin: germline. Affected: yes.
Comment: Published functional studies demonstrate a damaging effect with an inability to localize to the plasma membrane (PMID: 23690546); In silico analysis supports that this missense variant has a deleterious effect on protein structure/function; This variant is associated with the following publications: (PMID: 16418213, 23690546)

Fulgent Genetics
Classification: Likely pathogenic for Thyroid dyshormonogenesis 1. Last evaluated: 2024-04-18. Review status: criteria provided, single submitter. Criteria: ACMG Guidelines, 2015. Collection method: clinical testing. Allele origin: germline.

Labcorp Genetics (formerly Invitae), Labcorp
Classification: Likely pathogenic. Last evaluated: 2024-02-14. Review status: criteria provided, single submitter. Criteria: Invitae Variant Classification Sherloc (09022015). Collection method: clinical testing. Allele origin: germline.
Comment: This sequence change replaces arginine, which is basic and polar, with histidine, which is basic and polar, at codon 124 of the SLC5A5 protein (p.Arg124His). This variant is present in population databases (rs200597118, gnomAD 0.06%). This missense change has been observed in individuals with clinical features of thryoid dyshormonogenesis (PMID: 16418213, 26204134). It has also been observed to segregate with disease in related individuals. Advanced modeling of protein sequence and biophysical properties (such as structural, functional, and spatial information, amino acid conservation, physicochemical variation, residue mobility, and thermodynamic stability) performed at Invitae indicates that this missense variant is expected to disrupt SLC5A5 protein function with a positive predictive value of 80%. Experimental studies have shown that this missense change affects SLC5A5 function (PMID: 16418213, 23690546). In summary, the currently available evidence indicates that the variant is pathogenic, but additional data are needed to prove that conclusively. Therefore, this variant has been classified as Likely Pathogenic.

Literature cited by the submitters: PubMed 16418213 (cited by Labcorp Genetics (formerly Invitae), Labcorp); PubMed 26204134 (cited by Labcorp Genetics (formerly Invitae), Labcorp); PubMed 23690546 (cited by Labcorp Genetics (formerly Invitae), Labcorp).

NM_000453.3(SLC5A5):c.371G>A (p.Arg124His)

Gene: SLC5A5 (solute carrier family 5 member 5; plus strand). Cytogenetic location: 19p13.11.
Variant type: single nucleotide variant.
Coding change: c.371G>A on transcript NM_000453.3 (MANE Select); coding-DNA position 371, G replaced by A.
Protein change: p.Arg124His; replaces arginine 124 with histidine.
Molecular consequence: missense variant.
Genome position (GRCh38, 1-based): chr19:17,874,151, G>A. VCF-style: chr19-17874151-G-A. GRCh37 (hg19) VCF-style: chr19-17984960-G-A.
Other names: c.371G>A (NM_000453.2); short protein forms R124H.
Identifiers: ClinVar variation 2736846 (VCV002736846.6), dbSNP rs200597118, ClinGen allele CA9302703.